The following is an entry in ClinVar:

NM_000384.3(APOB):c.9857del (p.Leu3286fs)

Gene: APOB (apolipoprotein B; minus strand). Cytogenetic location: 2p24.1.
Variant type: Deletion.
Coding change: c.9857del on transcript NM_000384.3 (MANE Select); coding-DNA position 9857, one base deleted (T; older notation c.9857delT).
Protein change: p.Leu3286fs; shifts the reading frame from leucine 3286.
Molecular consequence: frameshift variant.
Genome position (GRCh38, 1-based): chr2:21,007,011, A deleted on the plus strand (T on the coding strand, the reverse complement: APOB is on the minus strand). VCF-style (leftmost placement, unchanged base first): chr2-21007010-TA-T. GRCh37 (hg19) VCF-style: chr2-21229882-TA-T.
Other names: short protein forms L3286fs.
Identifiers: ClinVar variation 3764668 (VCV003764668.3).
Genomic context (GRCh38, chr2:21,007,010, plus strand): 5'-GACTGGCAGCTCTAATGATGGCAGGATTAATGTGTATGAAGGCACACGGACGTCAGAACC[TA>T]GGATGGAGAAACTAGGCATGCTGACTGCTTTTGGGAACACATAGCCGAATGCCGACATCT-3'

ClinVar aggregate classification (germline): Likely pathogenic (1 of 4 stars; one submission).

Conditions:
Hypercholesterolemia, autosomal dominant, type B (FHCL2). Also called: Hyperlipoproteinemia Type IIb; APOB-Related Familial Hypercholesterolemia, Autosomal Dominant; Familial Hypercholesterolemia Type B; APOLIPOPROTEIN B-100, FAMILIAL DEFECTIVE; APOLIPOPROTEIN B-100, FAMILIAL LIGAND-DEFECTIVE; HYPERCHOLESTEROLEMIA, FAMILIAL, DUE TO LIGAND-DEFECTIVE APOLIPOPROTEIN B. Identifiers: MedGen C1704417, MONDO:0007751, OMIM 144010.

Submission:

Juno Genomics, Hangzhou Juno Genomics, Inc
Classification: Likely pathogenic for Hypercholesterolemia, autosomal dominant, type B. Review status: criteria provided, single submitter. Criteria: ACMG Guidelines, 2015. Collection method: clinical testing. Allele origin: germline.
Comment: Absent from controls (or at extremely low frequency if recessive) in Genome Aggregation Database.;Null variant in a gene where loss of function (LOF) is a known mechanism of disease.